The following is an entry in ClinVar:

ClinVar aggregate classification (germline): Uncertain significance (1 of 4 stars; one submission).

gnomAD v4.1: 1 of 1,612,624 alleles (0.000062%); highest among the groups gnomAD compares: Non-Finnish European, 0.000085%; no homozygotes.

Submission:

GeneDx
Classification: Uncertain significance. Last evaluated: 2024-08-07. Review status: criteria provided, single submitter. Criteria: GeneDx Variant Classification Process June 2021. Collection method: clinical testing. Allele origin: germline. Affected: yes.
Comment: Not observed at significant frequency in large population cohorts (gnomAD); In silico analysis indicates that this missense variant does not alter protein structure/function; Has not been previously published as pathogenic or benign to our knowledge

NM_001080472.4(FITM2):c.56C>A (p.Ala19Asp)

Gene: FITM2 (fat storage inducing transmembrane protein 2; minus strand). Cytogenetic location: 20q13.12.
Variant type: single nucleotide variant.
Coding change: c.56C>A on transcript NM_001080472.4 (MANE Select); coding-DNA position 56, C replaced by A.
Protein change: p.Ala19Asp; replaces alanine 19 with aspartic acid.
Molecular consequence: missense variant.
Genome position (GRCh38, 1-based): chr20:44,311,093, G>T on the plus strand (C>A on the coding strand, the complement: FITM2 is on the minus strand). VCF-style: chr20-44311093-G-T. GRCh37 (hg19) VCF-style: chr20-42939733-G-T.
Other names: short protein forms A19D.
Identifiers: ClinVar variation 3603215 (VCV003603215.1).
Genomic context (GRCh38, chr20:44,311,093, plus strand): 5'-TTGAGGAGGGAGCCCGCCAGCATGGAGGCCACCAGGGCCCAGGGCAGGTAGCGCCGCACG[G>T]CCGCCCGCACCAGCGTCCCCCGCAACAACCACTCGCAGCGCTCCAGATGCTCCATGCCGG-3'
Protein context (NP_001073941.1, residues 9-29): WLLRGTLVRA[Ala19Asp]VRRYLPWALV